The following is an entry in ClinVar:

NM_000540.3(RYR1):c.1767G>A (p.Leu589=)

Gene: RYR1 (ryanodine receptor 1; plus strand). Cytogenetic location: 19q13.2.
Variant type: single nucleotide variant.
Coding change: c.1767G>A on transcript NM_000540.3 (MANE Select); coding-DNA position 1767, G replaced by A.
Protein change: p.Leu589=; no amino-acid change (leucine 589 retained).
Molecular consequence: synonymous variant.
Genome position (GRCh38, 1-based): chr19:38,455,727, G>A. VCF-style: chr19-38455727-G-A. GRCh37 (hg19) VCF-style: chr19-38946367-G-A.
Other names: c.1767G>A, p.Leu589= (NM_001042723.2).
Identifiers: ClinVar variation 2902347 (VCV002902347.4), dbSNP rs2514028225, ClinGen allele CA507243144.

ClinVar aggregate classification (germline): Conflicting classifications of pathogenicity. Review status: criteria provided, conflicting classifications (1 of 4 stars). 2 submissions from 2 submitters: Uncertain significance (1); Likely benign (1). Last evaluated 2023-10-15.

Conditions:
RYR1-related disorder. Also called: RYR1-related condition; RYR1-related disorders. Identifiers: MedGen CN239331.
Malignant hyperthermia, susceptibility to, 1 (MHS1). Also called: Malignant hyperthermia suceptibility 1; Anesthesia related hyperthermia; Malignant hyperpyrexia; Fulminating hyperpyrexia; Pharmacogenic myopathy; RYR1-Related Malignant Hyperthermia Susceptibility. Identifiers: Orphanet 423, MedGen C2930980, MONDO:0007783, OMIM 145600.

Submissions (2):

Labcorp Genetics (formerly Invitae), Labcorp
Classification: Likely benign for RYR1-related disorder. Last evaluated: 2023-10-15. Review status: criteria provided, single submitter. Criteria: Invitae Variant Classification Sherloc (09022015). Collection method: clinical testing. Allele origin: germline.

All of Us Research Program, National Institutes of Health
Classification: Uncertain significance for Malignant hyperthermia, susceptibility to, 1. Last evaluated: 2023-02-24. Review status: criteria provided, single submitter. Criteria: ACMG Guidelines, 2015. Collection method: clinical testing. Allele origin: germline. Inheritance: Autosomal dominant inheritance. Observed: 1 variant allele, 1 heterozygote.
Comment: This variant is located in the RYR1 protein. To our knowledge, functional studies have not been reported for this variant. This variant has not been reported in individuals affected with RYR1-related disorders in the literature. This variant has not been identified in the general population by the Genome Aggregation Database (gnomAD). The available evidence is insufficient to determine the role of this variant in disease conclusively. Therefore, this variant is classified as a Variant of Uncertain Significance.

This study involves interpretation of variants in research participants for the purpose of population health screening. Participant phenotype was not available at the time of variant classification. Additional details can be found in publication PMID: 35346344, PMCID: PMC8962531